The following is an entry in ClinVar:

NM_001110556.2(FLNA):c.5156A>C (p.Lys1719Thr)

Gene: FLNA (filamin A; minus strand). Cytogenetic location: Xq28.
Variant type: single nucleotide variant.
Coding change: c.5156A>C on transcript NM_001110556.2 (MANE Select); coding-DNA position 5156, A replaced by C.
Protein change: p.Lys1719Thr; replaces lysine 1719 with threonine.
Molecular consequence: missense variant.
Genome position (GRCh38, 1-based): chrX:154,354,886, T>G on the plus strand (A>C on the coding strand, the complement: FLNA is on the minus strand). VCF-style: chrX-154354886-T-G. GRCh37 (hg19) VCF-style: chrX-153583254-T-G.
Other names: c.5132A>C, p.Lys1711Thr (NM_001456.4); short protein forms K1711T, K1719T.
Identifiers: ClinVar variation 5021074 (VCV005021074.1).

ClinVar aggregate classification (germline): Uncertain significance (1 of 4 stars; one submission).

Submission:

Dasa
Classification: Uncertain significance. Last evaluated: 2024-09-30. Review status: criteria provided, single submitter. Criteria: DASA Assertion Criteria. Collection method: clinical testing. Allele origin: germline.
Comment: NM_001110556.2(FLNA):c.5156A>C (p.Lys1719Thr) is a missense variant that results in the substitution of lysine with threonine. This variant is absent from population databases. The currently available literature and clinical evidence are not sufficient to establish a definitive association between this variant and the reported condition. Therefore, this variant is classified as a variant of uncertain significance.